The following is an entry in ClinVar:

NM_001365951.3(KIF1B):c.706C>G (p.Leu236Val)

Gene: KIF1B (kinesin family member 1B; plus strand). Cytogenetic location: 1p36.22.
Variant type: single nucleotide variant.
Coding change: c.706C>G on transcript NM_001365951.3 (MANE Select); coding-DNA position 706, C replaced by G.
Protein change: p.Leu236Val; replaces leucine 236 with valine.
Molecular consequence: missense variant.
Genome position (GRCh38, 1-based): chr1:10,268,249, C>G. VCF-style: chr1-10268249-C-G. GRCh37 (hg19) VCF-style: chr1-10328307-C-G.
Other names: c.706C>G, p.Leu236Val (NM_001365952.1, NM_001365953.1, NM_015074.3 and 1 more transcripts); short protein forms L236V.
Identifiers: ClinVar variation 875479 (VCV000875479.6), dbSNP rs1648580372, ClinGen allele CA338330655.

ClinVar aggregate classification (germline): Uncertain significance. Review status: criteria provided, multiple submitters, no conflicts (2 of 4 stars). 2 submissions from 2 submitters: Uncertain significance (2). Last evaluated 2023-06-01.

Conditions:
Neuroblastoma (NB). Identifiers: Orphanet 635, MedGen C0027819, MeSH D009447, MONDO:0005072, HP:0003006.

Submissions (2):

Ambry Genetics
Classification: Uncertain significance. Last evaluated: 2023-06-01. Review status: criteria provided, single submitter. Criteria: Ambry Variant Classification Scheme 2023. Collection method: clinical testing. Allele origin: germline.
Comment: The p.L236V variant (also known as c.706C>G), located in coding exon 6 of the KIF1B gene, results from a C to G substitution at nucleotide position 706. The leucine at codon 236 is replaced by valine, an amino acid with highly similar properties. This amino acid position is conserved. In addition, this alteration is predicted to be tolerated by in silico analysis. Since supporting evidence is limited at this time, the clinical significance of this alteration remains unclear.

Illumina Laboratory Services, Illumina
Classification: Uncertain significance for Neuroblastoma. Last evaluated: 2018-01-13. Review status: criteria provided, single submitter. Criteria: ICSL Variant Classification Criteria 13 December 2019. Collection method: clinical testing. Allele origin: germline.